The following is an entry in ClinVar:

NM_000548.5(TSC2):c.1743C>A (p.Ser581Arg)

Gene: TSC2 (TSC complex subunit 2; plus strand). Cytogenetic location: 16p13.3.
Variant type: single nucleotide variant.
Coding change: c.1743C>A on transcript NM_000548.5 (MANE Select); coding-DNA position 1743, C replaced by A.
Protein change: p.Ser581Arg; replaces serine 581 with arginine.
Molecular consequence: missense variant.
Genome position (GRCh38, 1-based): chr16:2,070,482, C>A. VCF-style: chr16-2070482-C-A. GRCh37 (hg19) VCF-style: chr16-2120483-C-A.
Other names: c.1743C>A (NM_000548.4); c.1743C>A, p.Ser581Arg (NM_001077183.3, NM_001114382.3, NM_001363528.2 and 3 more transcripts); c.1632C>A, p.Ser544Arg (NM_001318827.2); c.1596C>A, p.Ser532Arg (NM_001318829.2); c.1143C>A, p.Ser381Arg (NM_001318831.2); c.1776C>A, p.Ser592Arg (NM_001318832.2); short protein forms S581R, S532R, S544R, S592R, S381R.
Identifiers: ClinVar variation 318314 (VCV000318314.20), dbSNP rs775195398, ClinGen allele CA033256.

ClinVar aggregate classification (germline): Benign/Likely benign. Review status: criteria provided, multiple submitters, no conflicts (2 of 4 stars). 5 submissions from 5 submitters: Benign (1); Likely benign (4). Last evaluated 2026-09-01.

Conditions:
Tuberous sclerosis 2 (TSC2). Identifiers: Orphanet 805, MedGen C1860707, MONDO:0013199, OMIM 613254.
TSC2-related disorder. Also called: TSC2-Related Disorders; TSC2-related condition.
Hereditary cancer-predisposing syndrome. Also called: Hereditary Cancer Syndrome; Neoplastic Syndromes, Hereditary; Tumor predisposition; Hereditary neoplastic syndrome. Identifiers: Orphanet 140162, MedGen C0027672, MeSH D009386, MONDO:0015356.

Allele frequency attached by ClinVar (database versions not stated): TOPMed below 0.00001; ExAC 0.00001; gnomAD exomes 0.00001 and 0.00002.

Submissions (5):

PreventionGenetics, part of Exact Sciences
Classification: Likely benign for TSC2-related condition. Last evaluated: 2026-09-01. Review status: criteria provided, single submitter. Criteria: ACMG Guidelines, 2015. Collection method: clinical testing. Allele origin: germline.
Comment: This variant is classified as likely benign based on ACMG/AMP sequence variant interpretation guidelines (Richards et al. 2015 PMID: 25741868, with internal and published modifications).

Labcorp Genetics (formerly Invitae), Labcorp
Classification: Benign for Tuberous sclerosis 2. Last evaluated: 2025-01-06. Review status: criteria provided, single submitter. Criteria: Invitae Variant Classification Sherloc (09022015). Collection method: clinical testing. Allele origin: germline.

Myriad Genetics, Inc.
Classification: Likely benign for Tuberous sclerosis 2. Last evaluated: 2024-08-09. Review status: criteria provided, single submitter. Criteria: Myriad Autosomal Dominant, Autosomal Recessive and X-Linked Classification Criteria (2023). Collection method: clinical testing. Allele origin: unknown.
Comment: This variant is considered likely benign. This variant has been observed at a population frequency that is significantly greater than expected given the associated disease prevalence and penetrance.

Ambry Genetics
Classification: Likely benign for Hereditary cancer-predisposing syndrome. Last evaluated: 2024-01-27. Review status: criteria provided, single submitter. Criteria: Ambry Variant Classification Scheme 2023. Collection method: clinical testing. Allele origin: germline.

Genome-Nilou Lab
Classification: Likely benign for Tuberous sclerosis 2. Last evaluated: 2021-11-07. Review status: criteria provided, single submitter. Criteria: ACMG Guidelines, 2015. Collection method: clinical testing. Allele origin: germline. Affected: no.